The following is an entry in ClinVar:

ClinVar aggregate classification (germline): Uncertain significance (1 of 4 stars; one submission).

gnomAD v4.1: 1 of 1,614,168 alleles (0.000062%); highest among the groups gnomAD compares: Non-Finnish European, 0.000085%; no homozygotes.

Submission:

Labcorp Genetics (formerly Invitae), Labcorp
Classification: Uncertain significance. Last evaluated: 2024-05-10. Review status: criteria provided, single submitter. Criteria: Invitae Variant Classification Sherloc (09022015). Collection method: clinical testing. Allele origin: germline.
Comment: This sequence change replaces glutamine, which is neutral and polar, with arginine, which is basic and polar, at codon 522 of the SETBP1 protein (p.Gln522Arg). This variant is not present in population databases (gnomAD no frequency). This variant has not been reported in the literature in individuals affected with SETBP1-related conditions. Advanced modeling of protein sequence and biophysical properties (such as structural, functional, and spatial information, amino acid conservation, physicochemical variation, residue mobility, and thermodynamic stability) performed at Invitae indicates that this missense variant is not expected to disrupt SETBP1 protein function with a negative predictive value of 80%. In summary, the available evidence is currently insufficient to determine the role of this variant in disease. Therefore, it has been classified as a Variant of Uncertain Significance.

NM_015559.3(SETBP1):c.1565A>G (p.Gln522Arg)

Gene: SETBP1 (SET binding protein 1; plus strand). Cytogenetic location: 18q12.3.
Variant type: single nucleotide variant.
Coding change: c.1565A>G on transcript NM_015559.3 (MANE Select); coding-DNA position 1565, A replaced by G.
Protein change: p.Gln522Arg; replaces glutamine 522 with arginine.
Molecular consequence: missense variant.
Genome position (GRCh38, 1-based): chr18:44,950,905, A>G. VCF-style: chr18-44950905-A-G. GRCh37 (hg19) VCF-style: chr18-42530870-A-G.
Other names: c.1565A>G, p.Gln522Arg (NM_001379141.1, NM_001379142.1, NM_001410862.1); short protein forms Q522R.
Identifiers: ClinVar variation 3632066 (VCV003632066.2).